The following is an entry in ClinVar:

NM_001384732.1(CPLANE1):c.2923C>G (p.Gln975Glu)

Gene: CPLANE1 (ciliogenesis and planar polarity effector complex subunit 1; minus strand). Cytogenetic location: 5p13.2.
Variant type: single nucleotide variant.
Coding change: c.2923C>G on transcript NM_001384732.1 (MANE Select); coding-DNA position 2923, C replaced by G.
Protein change: p.Gln975Glu; replaces glutamine 975 with glutamic acid.
Molecular consequence: missense variant.
Genome position (GRCh38, 1-based): chr5:37,206,423, G>C on the plus strand (C>G on the coding strand, the complement: CPLANE1 is on the minus strand). VCF-style: chr5-37206423-G-C. GRCh37 (hg19) VCF-style: chr5-37206525-G-C.
Other names: c.2923C>G, p.Gln975Glu (NM_023073.4); short protein forms Q975E.
Identifiers: ClinVar variation 578160 (VCV000578160.9), dbSNP rs863225166, ClinGen allele CA117082726.

ClinVar aggregate classification (germline): Uncertain significance (1 of 4 stars; one submission).

Allele frequency attached by ClinVar (database versions not stated): TOPMed 0.00002.
gnomAD v4.1: 2 of 1,541,464 alleles (0.00013%); highest among the groups gnomAD compares: African/African-American, 0.0027%; no homozygotes.

Submission:

Labcorp Genetics (formerly Invitae), Labcorp
Classification: Uncertain significance. Last evaluated: 2024-02-24. Review status: criteria provided, single submitter. Criteria: Invitae Variant Classification Sherloc (09022015). Collection method: clinical testing. Allele origin: germline.
Comment: This sequence change replaces glutamine, which is neutral and polar, with glutamic acid, which is acidic and polar, at codon 975 of the CPLANE1 protein (p.Gln975Glu). This variant is not present in population databases (gnomAD no frequency). This missense change has been observed in individual(s) with clinical features of C5orf42-related conditions (Invitae). ClinVar contains an entry for this variant (Variation ID: 578160). An algorithm developed to predict the effect of missense changes on protein structure and function (PolyPhen-2) suggests that this variant¬†is likely to be tolerated. In summary, the available evidence is currently insufficient to determine the role of this variant in disease. Therefore, it has been classified as a Variant of Uncertain Significance.